The following is an entry in ClinVar:

NM_017763.6(RNF43):c.1880T>C (p.Val627Ala)

Gene: RNF43 (ring finger protein 43; minus strand). Cytogenetic location: 17q22.
Variant type: single nucleotide variant.
Coding change: c.1880T>C on transcript NM_017763.6 (MANE Select); coding-DNA position 1880, T replaced by C.
Protein change: p.Val627Ala; replaces valine 627 with alanine.
Molecular consequence: missense variant.
Genome position (GRCh38, 1-based): chr17:58,357,896, A>G on the plus strand (T>C on the coding strand, the complement: RNF43 is on the minus strand). VCF-style: chr17-58357896-A-G. GRCh37 (hg19) VCF-style: chr17-56435257-A-G.
Other names: c.1880T>C (NM_017763.4); c.1880T>C, p.Val627Ala (NM_001305544.3); c.1499T>C, p.Val500Ala (NM_001305545.2); short protein forms V500A, V627A.
Identifiers: ClinVar variation 1110191 (VCV001110191.17), dbSNP rs199831923, ClinGen allele CA8673100.

ClinVar aggregate classification (germline): Conflicting classifications of pathogenicity. Review status: criteria provided, conflicting classifications (1 of 4 stars). 7 submissions from 7 submitters: Uncertain significance (2); Likely benign (4). 1 of the submissions does not count toward it. Last evaluated 2026-05-26.

Conditions:
Inherited polyposis and early onset colorectal cancer - germline testing.
RNF43-related disorder. Also called: RNF43-related condition.
Hyperplastic polyposis syndrome. Identifiers: Orphanet 157798, MedGen C4296896, MONDO:0015524.

Allele frequency attached by ClinVar (database versions not stated): ESP Exome Variant Server 0.00015; 1000 Genomes Project 30x 0.00031.
gnomAD v4.1: 442 of 1,613,410 alleles (0.027%); highest among the groups gnomAD compares: Non-Finnish European, 0.027%; no homozygotes.

Submissions (7):

Cambridge Genomics Laboratory, East Genomic Laboratory Hub, NHS Genomic Medicine Service
Classification: Uncertain significance for Inherited polyposis and early onset colorectal cancer - germline testing. Last evaluated: 2026-05-26. Review status: criteria provided, single submitter. Criteria: ACGS Best Practice Guidelines for Variant Classification in Rare Disease 2020. Collection method: clinical testing. Allele origin: germline. Affected: yes.
Comment: BP4

Labcorp Genetics (formerly Invitae), Labcorp
Classification: Likely benign. Last evaluated: 2026-01-21. Review status: criteria provided, single submitter. Criteria: Invitae Variant Classification Sherloc (09022015). Collection method: clinical testing. Allele origin: germline.

Center for Genomic Medicine, Rigshospitalet, Copenhagen University Hospital
Classification: Uncertain significance. Last evaluated: 2025-03-04. Review status: criteria provided, single submitter. Criteria: ACMG Guidelines, 2015. Collection method: clinical testing. Allele origin: germline.

Laboratory of Genetics, Children's Clinical University Hospital Latvia
Classification: Likely benign. Last evaluated: 2025-02-16. Review status: criteria provided, single submitter. Criteria: ACMG Guidelines, 2015. Collection method: clinical testing. Allele origin: germline. Affected: yes.

Ambry Genetics
Classification: Likely benign. Last evaluated: 2024-07-30. Review status: criteria provided, single submitter. Criteria: Ambry Variant Classification Scheme 2023. Collection method: clinical testing. Allele origin: germline.

Department of Pathology and Laboratory Medicine, Sinai Health System
Classification: Likely benign for Hyperplastic polyposis syndrome. Last evaluated: 2023-07-28. Review status: criteria provided, single submitter. Criteria: ACMG Guidelines, 2015. Collection method: clinical testing. Allele origin: germline. Affected: yes.

PreventionGenetics, part of Exact Sciences
Classification: Likely benign for RNF43-related condition. Last evaluated: 2021-02-03. Review status: no assertion criteria provided. Collection method: clinical testing. Allele origin: germline. Not counted in ClinVar's aggregate classification.
Comment: This variant is classified as likely benign based on ACMG/AMP sequence variant interpretation guidelines (Richards et al. 2015 PMID: 25741868, with internal and published modifications).

Literature cited by the submitters: PubMed 34160418 (cited by Department of Pathology and Laboratory Medicine, Sinai Health System).